The following is an entry in ClinVar:

ClinVar aggregate classification (germline): Uncertain significance (1 of 4 stars; one submission).

Conditions:
Atrioventricular septal defect 5 (AVSD5). Identifiers: MedGen C3280939, MONDO:0013769, OMIM 614474.

gnomAD v4.1: 4 of 1,154,616 alleles (0.00035%); highest among the groups gnomAD compares: East Asian, 0.017%; no homozygotes.

Submission:

Labcorp Genetics (formerly Invitae), Labcorp
Classification: Uncertain significance for Atrioventricular septal defect 5. Last evaluated: 2023-05-01. Review status: criteria provided, single submitter. Criteria: Invitae Variant Classification Sherloc (09022015). Collection method: clinical testing. Allele origin: germline.
Comment: In summary, the available evidence is currently insufficient to determine the role of this variant in disease. Therefore, it has been classified as a Variant of Uncertain Significance. Advanced modeling of protein sequence and biophysical properties (such as structural, functional, and spatial information, amino acid conservation, physicochemical variation, residue mobility, and thermodynamic stability) performed at Invitae indicates that this missense variant is not expected to disrupt GATA6 protein function. This variant has not been reported in the literature in individuals affected with GATA6-related conditions. The frequency data for this variant in the population databases is considered unreliable, as metrics indicate insufficient coverage at this position in the gnomAD database. This sequence change replaces glycine, which is neutral and non-polar, with valine, which is neutral and non-polar, at codon 250 of the GATA6 protein (p.Gly250Val).

NM_005257.6(GATA6):c.749G>T (p.Gly250Val)

Gene: GATA6 (GATA binding protein 6; plus strand). Cytogenetic location: 18q11.2.
Variant type: single nucleotide variant.
Coding change: c.749G>T on transcript NM_005257.6 (MANE Select); coding-DNA position 749, G replaced by T.
Protein change: p.Gly250Val; replaces glycine 250 with valine.
Molecular consequence: missense variant.
Genome position (GRCh38, 1-based): chr18:22,171,893, G>T. VCF-style: chr18-22171893-G-T. GRCh37 (hg19) VCF-style: chr18-19751854-G-T.
Other names: short protein forms G250V.
Identifiers: ClinVar variation 2968852 (VCV002968852.3), dbSNP rs2033055801, ClinGen allele CA401800644.